The following is an entry in ClinVar:

ClinVar aggregate classification (germline): Likely benign (0 of 4 stars; one submission).

Conditions:
PPARG-related disorder. Also called: PPARG-related disorders; PPARG-related condition.

Submission:

PreventionGenetics, part of Exact Sciences
Classification: Likely benign for PPARG-related condition. Last evaluated: 2022-09-06. Review status: no assertion criteria provided. Collection method: clinical testing. Allele origin: germline.
Comment: This variant is classified as likely benign based on ACMG/AMP sequence variant interpretation guidelines (Richards et al. 2015 PMID: 25741868, with internal and published modifications).

NM_138711.6(PPARG):c.*7G>C

Gene: PPARG (peroxisome proliferator activated receptor gamma; plus strand). Cytogenetic location: 3p25.2.
Variant type: single nucleotide variant.
Coding change: c.*7G>C on transcript NM_138711.6 (MANE Select); 7 bases downstream of the stop codon, G replaced by C.
Molecular consequence: 3 prime UTR variant.
Genome position (GRCh38, 1-based): chr3:12,434,152, G>C. VCF-style: chr3-12434152-G-C. GRCh37 (hg19) VCF-style: chr3-12475651-G-C.
Other names: c.*237G>C (NM_001330615.4, NM_001374261.3, NM_001374262.3 and 1 more transcripts); c.*7G>C (NM_001354666.3, NM_001354667.3, NM_001354669.2 and 5 more transcripts); c.*221G>C (NM_001374266.1).
Identifiers: ClinVar variation 3355631 (VCV003355631.1).